The following is an entry in ClinVar:

ClinVar aggregate classification (germline): Benign. Review status: criteria provided, multiple submitters, no conflicts (2 of 4 stars). 2 submissions from 2 submitters: Benign (2). Last evaluated 2018-06-19.

Allele frequency attached by ClinVar (database versions not stated): 1000 Genomes Project 0.08307; 1000 Genomes Project 30x 0.08339; TOPMed 0.11799; gnomAD 0.12774 and 0.12927; gnomAD exomes 0.15277.
gnomAD v4.1: 93,999 of 642,478 alleles (15%); highest among the groups gnomAD compares: Non-Finnish European, 18%; 7,923 homozygotes.

Submissions (2):

GeneDx
Classification: Benign. Last evaluated: 2018-06-19. Review status: criteria provided, single submitter. Criteria: GeneDx Variant Classification (06012015). Collection method: clinical testing. Allele origin: germline. Affected: yes.
Comment: This variant is considered likely benign or benign based on one or more of the following criteria: it is a conservative change, it occurs at a poorly conserved position in the protein, it is predicted to be benign by multiple in silico algorithms, and/or has population frequency not consistent with disease.

Breakthrough Genomics
Classification: Benign. Review status: criteria provided, single submitter. Criteria: ACMG Guidelines, 2015. Collection method: not provided. Allele origin: germline. Inheritance: Autosomal recessive inheritance. Affected: yes.

NM_025114.4(CEP290):c.6961-138A>T

Gene: CEP290 (centrosomal protein 290; minus strand). Cytogenetic location: 12q21.32.
Variant type: single nucleotide variant.
Coding change: c.6961-138A>T on transcript NM_025114.4 (MANE Select); 138 bases into the intron before coding-DNA position 6961, A replaced by T.
Molecular consequence: intron variant.
Genome position (GRCh38, 1-based): chr12:88,054,551, T>A on the plus strand (A>T on the coding strand, the complement: CEP290 is on the minus strand). VCF-style: chr12-88054551-T-A. GRCh37 (hg19) VCF-style: chr12-88448328-T-A.
Identifiers: ClinVar variation 681349 (VCV000681349.2), dbSNP rs17418744, ClinGen allele CA13627542.